The following is an entry in ClinVar:

NM_000836.4(GRIN2D):c.679G>A (p.Ala227Thr)

Gene: GRIN2D (glutamate ionotropic receptor NMDA type subunit 2D; plus strand). Cytogenetic location: 19q13.33.
Variant type: single nucleotide variant.
Coding change: c.679G>A on transcript NM_000836.4 (MANE Select); coding-DNA position 679, G replaced by A.
Protein change: p.Ala227Thr; replaces alanine 227 with threonine.
Molecular consequence: missense variant.
Genome position (GRCh38, 1-based): chr19:48,404,947, G>A. VCF-style: chr19-48404947-G-A. GRCh37 (hg19) VCF-style: chr19-48908204-G-A.
Other names: short protein forms A227T.
Identifiers: ClinVar variation 2769249 (VCV002769249.3), dbSNP rs1970766470, ClinGen allele CA406691727.
Genomic context (GRCh38, chr19:48,404,947, plus strand): 5'-CTGACTGACGGTAGTCTGGTGGGCTGGGAGCACCGCGGAGCGCTGACGCTGGACCCTGGG[G>A]CGGGCGAGGCCGTGCTCAGTGCCCAGCTCCGCAGTGTCAGCGCGCAGATCCGCCTGCTCT-3'
Protein context (NP_000827.2, residues 217-237): HRGALTLDPG[Ala227Thr]GEAVLSAQLR

ClinVar aggregate classification (germline): Uncertain significance (1 of 4 stars; one submission).

Allele frequency attached by ClinVar (database versions not stated): gnomAD exomes below 0.00001.
gnomAD v4.1: 1 of 1,612,834 alleles (0.000062%); highest among the groups gnomAD compares: South Asian, 0.0011%; no homozygotes.

Submission:

Labcorp Genetics (formerly Invitae), Labcorp
Classification: Uncertain significance. Last evaluated: 2023-10-17. Review status: criteria provided, single submitter. Criteria: Invitae Variant Classification Sherloc (09022015). Collection method: clinical testing. Allele origin: germline.
Comment: This sequence change replaces alanine, which is neutral and non-polar, with threonine, which is neutral and polar, at codon 227 of the GRIN2D protein (p.Ala227Thr). This variant is not present in population databases (gnomAD no frequency). This variant has not been reported in the literature in individuals affected with GRIN2D-related conditions. Advanced modeling of protein sequence and biophysical properties (such as structural, functional, and spatial information, amino acid conservation, physicochemical variation, residue mobility, and thermodynamic stability) performed at Invitae indicates that this missense variant is not expected to disrupt GRIN2D protein function. In summary, the available evidence is currently insufficient to determine the role of this variant in disease. Therefore, it has been classified as a Variant of Uncertain Significance.